The following is an entry in ClinVar:

NM_001184.4(ATR):c.4939C>T (p.Arg1647Cys)

Gene: ATR (ATR checkpoint kinase; minus strand). Cytogenetic location: 3q23.
Variant type: single nucleotide variant.
Coding change: c.4939C>T on transcript NM_001184.4 (MANE Select); coding-DNA position 4939, C replaced by T.
Protein change: p.Arg1647Cys; replaces arginine 1647 with cysteine.
Molecular consequence: missense variant.
Genome position (GRCh38, 1-based): chr3:142,508,023, G>A on the plus strand (C>T on the coding strand, the complement: ATR is on the minus strand). VCF-style: chr3-142508023-G-A. GRCh37 (hg19) VCF-style: chr3-142226865-G-A.
Other names: c.4747C>T, p.Arg1583Cys (NM_001354579.2); short protein forms R1647C, R1583C.
Identifiers: ClinVar variation 1744245 (VCV001744245.2), dbSNP rs1348702370, ClinGen allele CA354820687.

ClinVar aggregate classification (germline): Uncertain significance (1 of 4 stars; one submission).

Conditions:
Inborn genetic diseases. Identifiers: MedGen C0950123, MeSH D030342.

gnomAD v4.1: 2 of 1,613,150 alleles (0.00012%); highest among the groups gnomAD compares: South Asian, 0.0011%; no homozygotes.

Submission:

Ambry Genetics
Classification: Uncertain significance for Inborn genetic diseases. Last evaluated: 2022-07-17. Review status: criteria provided, single submitter. Criteria: Ambry Variant Classification Scheme 2023. Collection method: clinical testing. Allele origin: germline.
Comment: The p.R1647C variant (also known as c.4939C>T), located in coding exon 28 of the ATR gene, results from a C to T substitution at nucleotide position 4939. The arginine at codon 1647 is replaced by cysteine, an amino acid with highly dissimilar properties. This amino acid position is conserved. In addition, this alteration is predicted to be deleterious by in silico analysis. Since supporting evidence is limited at this time, the clinical significance of this alteration remains unclear.